The following is an entry in ClinVar:

NM_020778.5(ALPK3):c.2917A>C (p.Thr973Pro)

Gene: ALPK3 (alpha kinase 3; plus strand). Cytogenetic location: 15q25.3.
Variant type: single nucleotide variant.
Coding change: c.2917A>C on transcript NM_020778.5 (MANE Select); coding-DNA position 2917, A replaced by C.
Protein change: p.Thr973Pro; replaces threonine 973 with proline.
Molecular consequence: missense variant.
Genome position (GRCh38, 1-based): chr15:84,857,655, A>C. VCF-style: chr15-84857655-A-C. GRCh37 (hg19) VCF-style: chr15-85400886-A-C.
Other names: c.3523A>C (NM_020778.4); short protein forms T973P.
Identifiers: ClinVar variation 2101486 (VCV002101486.5), dbSNP rs2505720971, ClinGen allele CA393359240.

ClinVar aggregate classification (germline): Uncertain significance. Review status: criteria provided, multiple submitters, no conflicts (2 of 4 stars). 2 submissions from 2 submitters: Uncertain significance (2). Last evaluated 2025-08-02.

Conditions:
Cardiovascular phenotype. Identifiers: MedGen CN230736.

Submissions (2):

Ambry Genetics
Classification: Uncertain significance for Cardiovascular phenotype. Last evaluated: 2025-08-02. Review status: criteria provided, single submitter. Criteria: Ambry Variant Classification Scheme 2023. Collection method: clinical testing. Allele origin: germline.

Labcorp Genetics (formerly Invitae), Labcorp
Classification: Uncertain significance. Last evaluated: 2022-02-22. Review status: criteria provided, single submitter. Criteria: Invitae Variant Classification Sherloc (09022015). Collection method: clinical testing. Allele origin: germline.
Comment: This sequence change replaces threonine, which is neutral and polar, with proline, which is neutral and non-polar, at codon 1175 of the ALPK3 protein (p.Thr1175Pro). This variant is not present in population databases (gnomAD no frequency). This variant has not been reported in the literature in individuals affected with ALPK3-related conditions. Algorithms developed to predict the effect of missense changes on protein structure and function output the following: SIFT: "Tolerated"; PolyPhen-2: "Benign"; Align-GVGD: "Class C0". The proline amino acid residue is found in multiple mammalian species, which suggests that this missense change does not adversely affect protein function. In summary, the available evidence is currently insufficient to determine the role of this variant in disease. Therefore, it has been classified as a Variant of Uncertain Significance.